The following is an entry in ClinVar:

NM_001868.4(CPA1):c.839C>A (p.Ala280Asp)

Gene: CPA1 (carboxypeptidase A1; plus strand). Cytogenetic location: 7q32.2.
Variant type: single nucleotide variant.
Coding change: c.839C>A on transcript NM_001868.4 (MANE Select); coding-DNA position 839, C replaced by A.
Protein change: p.Ala280Asp; replaces alanine 280 with aspartic acid.
Molecular consequence: missense variant.
Genome position (GRCh38, 1-based): chr7:130,385,197, C>A. VCF-style: chr7-130385197-C-A. GRCh37 (hg19) VCF-style: chr7-130025038-C-A.
Other names: short protein forms A280D.
Identifiers: ClinVar variation 1763213 (VCV001763213.5), dbSNP rs782776885, ClinGen allele CA369283396.

ClinVar aggregate classification (germline): Uncertain significance. Review status: criteria provided, multiple submitters, no conflicts (2 of 4 stars). 2 submissions from 2 submitters: Uncertain significance (2). Last evaluated 2022-12-20.

Conditions:
Hereditary pancreatitis (PCTT). Also called: PRSS1-Related Hereditary Pancreatitis; Hereditary chronic pancreatitis. Identifiers: Orphanet 676, MedGen C0238339, MONDO:0008185, OMIM 167800.

Allele frequency attached by ClinVar (database versions not stated): TOPMed below 0.00001.
gnomAD v4.1: 1 of 1,614,126 alleles (0.000062%); highest among the groups gnomAD compares: Non-Finnish European, 0.000085%; no homozygotes.

Submissions (2):

Labcorp Genetics (formerly Invitae), Labcorp
Classification: Uncertain significance. Last evaluated: 2022-12-20. Review status: criteria provided, single submitter. Criteria: Invitae Variant Classification Sherloc (09022015). Collection method: clinical testing. Allele origin: germline.
Comment: This variant is present in population databases (no rsID available, gnomAD 0.007%). This missense change has been observed in individual(s) with non-alcoholic chronic pancreatitis (PMID: 23955596). ClinVar contains an entry for this variant (Variation ID: 1763213). Advanced modeling of protein sequence and biophysical properties (such as structural, functional, and spatial information, amino acid conservation, physicochemical variation, residue mobility, and thermodynamic stability) performed at Invitae indicates that this missense variant is expected to disrupt CPA1 protein function. Experimental studies have shown that this missense change affects CPA1 function (PMID: 23955596). In summary, the available evidence is currently insufficient to determine the role of this variant in disease. Therefore, it has been classified as a Variant of Uncertain Significance. This sequence change replaces alanine, which is neutral and non-polar, with aspartic acid, which is acidic and polar, at codon 280 of the CPA1 protein (p.Ala280Asp).

Ambry Genetics
Classification: Uncertain significance for Hereditary pancreatitis. Last evaluated: 2020-11-05. Review status: criteria provided, single submitter. Criteria: Ambry Variant Classification Scheme 2023. Collection method: clinical testing. Allele origin: germline.
Comment: The p.A280D variant (also known as c.839C>A), located in coding exon 8 of the CPA1 gene, results from a C to A substitution at nucleotide position 839. The alanine at codon 280 is replaced by aspartic acid, an amino acid with dissimilar properties. This amino acid position is not well conserved in available vertebrate species. In addition, this alteration is predicted to be tolerated by in silico analysis. Since supporting evidence is limited at this time, the clinical significance of this alteration remains unclear.

Literature cited by the submitters: PubMed 23955596 (cited by Labcorp Genetics (formerly Invitae), Labcorp and Ambry Genetics).